The following is an entry in ClinVar:

ClinVar aggregate classification (germline): Uncertain significance (1 of 4 stars; one submission).

Conditions:
Hereditary cancer-predisposing syndrome. Also called: Neoplastic Syndromes, Hereditary; Hereditary Cancer Syndrome; Tumor predisposition; Hereditary neoplastic syndrome. Identifiers: Orphanet 140162, MedGen C0027672, MeSH D009386, MONDO:0015356.

gnomAD v4.1: 1 of 1,608,196 alleles (0.000062%); highest among the groups gnomAD compares: Non-Finnish European, 0.000085%; no homozygotes.

Submission:

Ambry Genetics
Classification: Uncertain significance for Hereditary cancer-predisposing syndrome. Last evaluated: 2025-02-28. Review status: criteria provided, single submitter. Criteria: Ambry Variant Classification Scheme 2023. Collection method: clinical testing. Allele origin: germline.
Comment: The p.T308K variant (also known as c.923C>A), located in coding exon 5 of the SMARCA4 gene, results from a C to A substitution at nucleotide position 923. The threonine at codon 308 is replaced by lysine, an amino acid with similar properties. This amino acid position is conserved. In addition, the in silico prediction for this alteration is inconclusive. Based on the available evidence, the clinical significance of this variant remains unclear.

NM_003072.5(SMARCA4):c.923C>A (p.Thr308Lys)

Gene: SMARCA4 (SWI/SNF related BAF chromatin remodeling complex subunit ATPase 4; plus strand). Cytogenetic location: 19p13.2.
Variant type: single nucleotide variant.
Coding change: c.923C>A on transcript NM_003072.5 (MANE Select); coding-DNA position 923, C replaced by A.
Protein change: p.Thr308Lys; replaces threonine 308 with lysine.
Molecular consequence: missense variant. On other transcripts: non-coding transcript variant (1).
Genome position (GRCh38, 1-based): chr19:10,987,729, C>A. VCF-style: chr19-10987729-C-A. GRCh37 (hg19) VCF-style: chr19-11098405-C-A.
Other names: c.923C>A, p.Thr308Lys (NM_001128844.3, NM_001128845.2, NM_001128846.2 and 6 more transcripts); short protein forms T308K.
Identifiers: ClinVar variation 3798925 (VCV003798925.1).